The following is an entry in ClinVar:

ClinVar aggregate classification (germline): Pathogenic (1 of 4 stars; one submission).

Conditions:
Perlman syndrome (PRLMNS). Identifiers: Orphanet 2849, MedGen C0796113, MONDO:0009965, OMIM 267000.

Allele frequency attached by ClinVar (database versions not stated): gnomAD exomes below 0.00001.
gnomAD v4.1: 1 of 1,588,872 alleles (0.000063%); highest among the groups gnomAD compares: East Asian, 0.0023%; no homozygotes.

Submission:

Labcorp Genetics (formerly Invitae), Labcorp
Classification: Pathogenic for Perlman syndrome. Last evaluated: 2024-04-22. Review status: criteria provided, single submitter. Criteria: Invitae Variant Classification Sherloc (09022015). Collection method: clinical testing. Allele origin: germline.
Comment: This sequence change affects an acceptor splice site in intron 5 of the DIS3L2 gene. It is expected to disrupt RNA splicing. Variants that disrupt the donor or acceptor splice site typically lead to a loss of protein function (PMID: 16199547), and loss-of-function variants in DIS3L2 are known to be pathogenic (PMID: 22306653, 28328139). This variant is not present in population databases (gnomAD no frequency). Disruption of this splice site has been observed in individual(s) with Perlman syndrome (PMID: 28328139). Studies have shown that disruption of this splice site alters mRNA splicing and is expected to lead to the loss of protein expression (PMID: 28328139). For these reasons, this variant has been classified as Pathogenic.

Literature cited by the submitters: PubMed 16199547; PubMed 22306653; PubMed 28328139.

NM_152383.5(DIS3L2):c.367-2A>G

Gene: DIS3L2 (DIS3 like 3'-5' exoribonuclease 2; plus strand). Cytogenetic location: 2q37.1.
Variant type: single nucleotide variant.
Coding change: c.367-2A>G on transcript NM_152383.5 (MANE Select); the canonical splice acceptor site of the intron before coding-DNA position 367, A replaced by G.
Molecular consequence: splice acceptor variant.
Genome position (GRCh38, 1-based): chr2:232,087,485, A>G. VCF-style: chr2-232087485-A-G. GRCh37 (hg19) VCF-style: chr2-232952195-A-G.
Other names: c.367-2A>G (NM_001257281.2, NM_001257282.2).
Identifiers: ClinVar variation 2734429 (VCV002734429.3), dbSNP rs2106309194, ClinGen allele CA351154807.